The following is an entry in ClinVar:

NM_000054.7(AVPR2):c.410G>A (p.Arg137His)

Gene: AVPR2 (arginine vasopressin receptor 2; plus strand). Cytogenetic location: Xq28.
Variant type: single nucleotide variant.
Coding change: c.410G>A on transcript NM_000054.7 (MANE Select); coding-DNA position 410, G replaced by A.
Protein change: p.Arg137His; replaces arginine 137 with histidine.
Molecular consequence: missense variant.
Genome position (GRCh38, 1-based): chrX:153,905,916, G>A. VCF-style: chrX-153905916-G-A. GRCh37 (hg19) VCF-style: chrX-153171370-G-A.
Other names: c.410G>A, p.Arg137His (NM_001146151.3); short protein forms R137H.
Identifiers: ClinVar variation 10849 (VCV000010849.13), dbSNP rs104894756, ClinGen allele CA255575.

ClinVar aggregate classification (germline): Pathogenic. Review status: criteria provided, multiple submitters, no conflicts (2 of 4 stars). 7 submissions from 6 submitters: Pathogenic (5). 2 of the submissions do not count toward it. Last evaluated 2025-09-18.

Conditions:
AVPR2-related disorder. Also called: AVPR2-related condition.
Nephrogenic diabetes insipidus. Identifiers: Orphanet 223, MedGen C0162283, MONDO:0016383, HP:0009806.
Nephrogenic syndrome of inappropriate antidiuresis (NSIAD). Identifiers: Orphanet 93606, MedGen C1845202, MONDO:0010356, OMIM 300539.
Diabetes insipidus, nephrogenic, X-linked. Also called: Nephrogenic Diabetes Insipidus, Type I. Identifiers: Orphanet 223, MedGen C1563705, MONDO:0010581, OMIM 304800.

Allele frequency attached by ClinVar (database versions not stated): gnomAD exomes below 0.00001 and 0.00001.

Submissions (7):

Center for Genomics, Ann and Robert H. Lurie Children's Hospital of Chicago
Classification: Pathogenic for Nephrogenic syndrome of inappropriate antidiuresis. Last evaluated: 2025-09-18. Review status: criteria provided, single submitter. Criteria: ACMG Guidelines, 2015. Collection method: clinical testing. Allele origin: germline.
Comment: This variant has been reported in the literature in at least 10 families with X-linked nephrogenic diabetes insipidus, including as de novo in at least one case (Selected publications: Bichet 1993 PMID: 8104196; Schöneberg 1998 PMID: 9711877; Shoji 1998 PMID: 9452109; Arthus 2000 PMID: 10820168). In gnomAD, it is present in the heterozygous state in one individual, but in neither the homozygous nor hemizygous states. It is also present in ClinVar (Variation ID: 10849). Several functional studies have shown a deleterious impact of this variant on the encoded receptor protein (Selected publications: Rosenthal 1994 PMID: 7920187; Schöneberg 1998 PMID: 9711877; Bernier 2004 PMID: 15166253; Rochdi 2010 PMID: 20159941). Notably, different variants at this same codon (p.Arg137Cys, p.Arg137Leu) are considered to be pathogenic; however, these two variants appear to lead to a distinct phenotype due to a different mechanism of disease compared to p.Arg137His (Tiulpakov 2016 PMID: 27355191). Evolutionary conservation and computational prediction tools strongly support the impact of p.Arg137His on the encoded protein function. In summary, this variant is classified as pathogenic.

Labcorp Genetics (formerly Invitae), Labcorp
Classification: Pathogenic. Last evaluated: 2025-06-04. Review status: criteria provided, single submitter. Criteria: Invitae Variant Classification Sherloc (09022015). Collection method: clinical testing. Allele origin: germline.
Comment: This sequence change replaces arginine, which is basic and polar, with histidine, which is basic and polar, at codon 137 of the AVPR2 protein (p.Arg137His). This variant is present in population databases (rs104894756, gnomAD 0.001%). This missense change has been observed in individuals with nephrogenic diabetes insipidus (PMID: 8104196, 9711877, 10820168). ClinVar contains an entry for this variant (Variation ID: 10849). Invitae Evidence Modeling of protein sequence and biophysical properties (such as structural, functional, and spatial information, amino acid conservation, physicochemical variation, residue mobility, and thermodynamic stability) indicates that this missense variant is expected to disrupt AVPR2 protein function with a positive predictive value of 80%. Experimental studies have shown that this missense change affects AVPR2 function (PMID: 9711877, 27355191). For these reasons, this variant has been classified as Pathogenic.

Blueprint Genetics
Classification: Pathogenic for AVPR2-related disorders. Last evaluated: 2024-08-28. Review status: criteria provided, single submitter. Criteria: ACMG Guidelines, 2015. Collection method: clinical testing. Allele origin: germline. Affected: yes. Observed: 2 variant alleles.

Women's Health and Genetics/Laboratory Corporation of America, LabCorp
Classification: Pathogenic for Nephrogenic diabetes insipidus. Last evaluated: 2022-12-31. Review status: criteria provided, single submitter. Criteria: LabCorp Variant Classification Summary - May 2015. Collection method: clinical testing. Allele origin: germline.
Comment: Variant summary: AVPR2 c.410G>A (p.Arg137His) results in a non-conservative amino acid change located in the GPCR, rhodopsin-like, 7TM domain (IPR017452) of the encoded protein sequence. Five of five in-silico tools predict a damaging effect of the variant on protein function. The variant allele was found at a frequency of 5.7e-06 in 176496 control chromosomes. c.410G>A has been reported in the literature in multiple individuals affected with Nephrogenic Diabetes Insipidus (example, Shoji_1998, Bichet_1993, Bichet_1994, Carroll_2006, Arthus_2000, Ashton_2018). These data indicate that the variant is very likely to be associated with disease. At least one publication reports experimental evidence evaluating an impact on protein function. The most pronounced variant effect results in the mutant receptor showing normal binding properties, but unable to stimulate the GS/adenylyl cyclase system (Barak_2001). No clinical diagnostic laboratories have submitted clinical-significance assessments for this variant to ClinVar after 2014. Based on the evidence outlined above, the variant was classified as pathogenic.

GeneDx
Classification: Pathogenic. Last evaluated: 2022-07-25. Review status: criteria provided, single submitter. Criteria: GeneDx Variant Classification Process June 2021. Collection method: clinical testing. Allele origin: germline. Affected: yes.
Comment: Not observed at significant frequency in large population cohorts (gnomAD); In silico analysis supports that this missense variant has a deleterious effect on protein structure/function; This variant is associated with the following publications: (PMID: 20159941, 10644689, 27649563, 22654789, 11920339, 19179480, 9826914, 7920187, 27355191, 15872203, 16319185, 11134505, 15166253, 9711877, 34020960, 8514744, 8104196, 21183406, 16845277, 10373137, 24030030, 9402099, 10820168, 9452109, 17020465, 8037205)

OMIM
Classification: Pathogenic for DIABETES INSIPIDUS, NEPHROGENIC, 1, X-LINKED. Last evaluated: 2005-05-05. Review status: no assertion criteria provided. Collection method: literature only. Allele origin: germline. Not counted in ClinVar's aggregate classification.

OMIM
Classification: Pathogenic for NEPHROGENIC SYNDROME OF INAPPROPRIATE ANTIDIURESIS. Last evaluated: 2005-05-05. Review status: no assertion criteria provided. Collection method: literature only. Allele origin: germline. Not counted in ClinVar's aggregate classification.

Literature cited by the submitters: PubMed 7920187 (cited by Center for Genomics, Ann and Robert H. Lurie Children's Hospital of Chicago and Women's Health and Genetics/Laboratory Corporation of America, LabCorp); PubMed 9711877 (cited by 3 submitters); PubMed 15166253 (cited by Center for Genomics, Ann and Robert H. Lurie Children's Hospital of Chicago and Women's Health and Genetics/Laboratory Corporation of America, LabCorp); PubMed 20159941 (cited by Center for Genomics, Ann and Robert H. Lurie Children's Hospital of Chicago); PubMed 27355191 (cited by Center for Genomics, Ann and Robert H. Lurie Children's Hospital of Chicago and Labcorp Genetics (formerly Invitae), Labcorp); PubMed 8104196 (cited by Labcorp Genetics (formerly Invitae), Labcorp and Women's Health and Genetics/Laboratory Corporation of America, LabCorp); PubMed 10820168 (cited by Labcorp Genetics (formerly Invitae), Labcorp and Women's Health and Genetics/Laboratory Corporation of America, LabCorp); PubMed 8037205 (cited by Women's Health and Genetics/Laboratory Corporation of America, LabCorp); PubMed 7984150 (cited by Women's Health and Genetics/Laboratory Corporation of America, LabCorp); PubMed 11916004 (cited by Women's Health and Genetics/Laboratory Corporation of America, LabCorp); PubMed 11754100 (cited by Women's Health and Genetics/Laboratory Corporation of America, LabCorp); PubMed 11232028 (cited by Women's Health and Genetics/Laboratory Corporation of America, LabCorp); PubMed 11920339 (cited by Women's Health and Genetics/Laboratory Corporation of America, LabCorp); PubMed 11095010 (cited by Women's Health and Genetics/Laboratory Corporation of America, LabCorp); PubMed 1303257 (cited by Women's Health and Genetics/Laboratory Corporation of America, LabCorp); PubMed 9452109 (cited by Women's Health and Genetics/Laboratory Corporation of America, LabCorp); PubMed 16580609 (cited by Women's Health and Genetics/Laboratory Corporation of America, LabCorp); PubMed 16319185 (cited by Women's Health and Genetics/Laboratory Corporation of America, LabCorp); PubMed 16845277 (cited by Women's Health and Genetics/Laboratory Corporation of America, LabCorp); PubMed 16825342 (cited by Women's Health and Genetics/Laboratory Corporation of America, LabCorp); PubMed 16843086 (cited by Women's Health and Genetics/Laboratory Corporation of America, LabCorp); PubMed 11134505 (cited by Women's Health and Genetics/Laboratory Corporation of America, LabCorp and OMIM); PubMed 8999963 (cited by Women's Health and Genetics/Laboratory Corporation of America, LabCorp); PubMed 19179480 (cited by Women's Health and Genetics/Laboratory Corporation of America, LabCorp); PubMed 29398133 (cited by Women's Health and Genetics/Laboratory Corporation of America, LabCorp); PubMed 33996673 (cited by Women's Health and Genetics/Laboratory Corporation of America, LabCorp); PubMed 29546600 (cited by Women's Health and Genetics/Laboratory Corporation of America, LabCorp); PubMed 15872203 (cited by OMIM).